The following is an entry in ClinVar:

NM_007294.4(BRCA1):c.3755T>G (p.Leu1252Arg)

Genes: BRCA1 (BRCA1 DNA repair associated; minus strand), LOC126862571 (BRD4-independent group 4 enhancer GRCh37_chr17:41243136-41244335; plus strand). Cytogenetic location: 17q21.31.
Variant type: single nucleotide variant.
Coding change: c.3755T>G on transcript NM_007294.4 (MANE Select); coding-DNA position 3755, T replaced by G.
Protein change: p.Leu1252Arg; replaces leucine 1252 with arginine.
Molecular consequence: missense variant. On other transcripts: intron variant (135).
Genome position (GRCh38, 1-based): chr17:43,091,776, A>C on the plus strand (T>G on the coding strand, the complement: BRCA1 is on the minus strand). VCF-style: chr17-43091776-A-C. GRCh37 (hg19) VCF-style: chr17-41243793-A-C.
Other names: c.3542T>G, p.Leu1181Arg (NM_001407571.1, NM_001407853.1, NM_001407894.1 and 9 more transcripts); c.3755T>G, p.Leu1252Arg (NM_001407581.1, NM_001407582.1, NM_001407583.1 and 30 more transcripts); c.3752T>G, p.Leu1251Arg (NM_001407587.1, NM_001407590.1, NM_001407591.1 and 22 more transcripts); c.3746T>G, p.Leu1249Arg (NM_001407646.1, NM_001407647.1); c.3632T>G, p.Leu1211Arg (NM_001407648.1, NM_001407664.1, NM_001407665.1 and 19 more transcripts); c.3629T>G, p.Leu1210Arg (NM_001407649.1, NM_001407670.1, NM_001407671.1 and 11 more transcripts); c.3677T>G, p.Leu1226Arg (NM_001407653.1, NM_001407654.1, NM_001407655.1 and 4 more transcripts); c.3674T>G, p.Leu1225Arg (NM_001407659.1, NM_001407660.1, NM_001407661.1 and 1 more transcripts); and 41 more; short protein forms L1205R, L1252R, L1124R, L1125R, L1140R, L1204R, L1226R, L1251R.
Identifiers: ClinVar variation 1421638 (VCV001421638.9), dbSNP rs1555587147, ClinGen allele CA10594461.
Genomic context (GRCh38, chr17:43,091,776, plus strand): 5'-TTACTGCAGTCATTTAAGCTATTCTTCAATGATAATAAATTCTCCTCTGTGTTCTTAGAC[A>C]GACACTCGGTAGCAACGGTGCTATGCCTAGTAGACTGAGAAGGTATATTGTTTACTTTAC-3'
Protein context (NP_009225.1, residues 1242-1262): TRHSTVATEC[Leu1252Arg]SKNTEENLLS

ClinVar aggregate classification (germline): Conflicting classifications of pathogenicity. Review status: criteria provided, conflicting classifications (1 of 4 stars). 2 submissions from 2 submitters: Uncertain significance (1); Likely benign (1). Last evaluated 2023-03-23.

Conditions:
Hereditary cancer-predisposing syndrome. Also called: Neoplastic Syndromes, Hereditary; Hereditary Cancer Syndrome; Hereditary neoplastic syndrome; Tumor predisposition. Identifiers: Orphanet 140162, MedGen C0027672, MeSH D009386, MONDO:0015356.
Hereditary breast ovarian cancer syndrome. Also called: Hereditary breast and/or ovarian cancer syndrome; BRCA1- and BRCA2-Associated Hereditary Breast and Ovarian Cancer; Hereditary breast and ovarian cancer syndrome; Hereditary breast and ovarian cancer; Hereditary breast and ovarian cancer syndrome (HBOC); Breast and ovarian cancer. Identifiers: Orphanet 145, MedGen C0677776, MeSH D061325, MONDO:0003582. Disease mechanism: loss of function.

Submissions (2):

University of Washington Department of Laboratory Medicine, University of Washington
Classification: Likely benign for Hereditary cancer-predisposing syndrome. Last evaluated: 2023-03-23. Review status: criteria provided, single submitter. Criteria: Dines et al. (Genet Med. 2020). Collection method: curation. Allele origin: germline.
Comment: Missense variant in a coldspot region where missense variants are very unlikely to be pathogenic (PMID:31911673).

BRCA1 coldspot (exon 11 using historical exon numbering). Reclassification based on statistical prior probability

Labcorp Genetics (formerly Invitae), Labcorp
Classification: Uncertain significance for Hereditary breast ovarian cancer syndrome. Last evaluated: 2021-10-18. Review status: criteria provided, single submitter. Criteria: Invitae Variant Classification Sherloc (09022015). Collection method: clinical testing. Allele origin: germline.
Comment: In summary, the available evidence is currently insufficient to determine the role of this variant in disease. Therefore, it has been classified as a Variant of Uncertain Significance. Advanced modeling of protein sequence and biophysical properties (such as structural, functional, and spatial information, amino acid conservation, physicochemical variation, residue mobility, and thermodynamic stability) performed at Invitae indicates that this missense variant is not expected to disrupt BRCA1 protein function. This variant has not been reported in the literature in individuals affected with BRCA1-related conditions. This variant is not present in population databases (ExAC no frequency). This sequence change replaces leucine with arginine at codon 1252 of the BRCA1 protein (p.Leu1252Arg). The leucine residue is moderately conserved and there is a moderate physicochemical difference between leucine and arginine.